The following is an entry in ClinVar:

NM_000092.5(COL4A4):c.2716+5G>A

Gene: COL4A4 (collagen type IV alpha 4 chain; minus strand). Cytogenetic location: 2q36.3.
Variant type: single nucleotide variant.
Coding change: c.2716+5G>A on transcript NM_000092.5 (MANE Select); 5 bases into the intron after coding-DNA position 2716, G replaced by A.
Molecular consequence: intron variant.
Genome position (GRCh38, 1-based): chr2:227,055,940, C>T on the plus strand (G>A on the coding strand, the complement: COL4A4 is on the minus strand). VCF-style: chr2-227055940-C-T. GRCh37 (hg19) VCF-style: chr2-227920656-C-T.
Identifiers: ClinVar variation 3585823 (VCV003585823.2).

ClinVar aggregate classification (germline): Uncertain significance. Review status: criteria provided, multiple submitters, no conflicts (2 of 4 stars). 2 submissions from 2 submitters: Uncertain significance (2). Last evaluated 2025-06-12.

Conditions:
Autosomal recessive Alport syndrome (ATS2). Also called: Alport syndrome type 2; COL4A3-Related Nephropathy; COL4A4 Alport Syndrome and Thin Basement Membrane Nephropathy; ALPORT SYNDROME 2, AUTOSOMAL RECESSIVE. Identifiers: Orphanet 63, Orphanet 88919, MedGen C4746745, MONDO:0008762, OMIM 203780.
Hematuria, benign familial, 1 (BFH1). Also called: THIN MEMBRANE NEPHROPATHY. Identifiers: MedGen CN376803, MONDO:0007709, OMIM 141200.

gnomAD v4.1: 5 of 1,613,384 alleles (0.00031%); highest among the groups gnomAD compares: Admixed American, 0.0083%; no homozygotes.

Submissions (2):

Labcorp Genetics (formerly Invitae), Labcorp
Classification: Uncertain significance. Last evaluated: 2025-06-12. Review status: criteria provided, single submitter. Criteria: Invitae Variant Classification Sherloc (09022015). Collection method: clinical testing. Allele origin: germline.
Comment: This sequence change falls in intron 30 of the COL4A4 gene. It does not directly change the encoded amino acid sequence of the COL4A4 protein. It affects a nucleotide within the consensus splice site. This variant is present in population databases (no rsID available, gnomAD 0.006%). This variant has been observed in individual(s) with clinical features of autosomal dominant Alport syndrome (internal data). ClinVar contains an entry for this variant (Variation ID: 3585823). Variants that disrupt the consensus splice site are a relatively common cause of aberrant splicing (PMID: 17576681, 9536098). Algorithms developed to predict the effect of sequence changes on RNA splicing suggest that this variant may disrupt the consensus splice site. In summary, the available evidence is currently insufficient to determine the role of this variant in disease. Therefore, it has been classified as a Variant of Uncertain Significance.

Fulgent Genetics
Classification: Uncertain significance for Hematuria, benign familial, 1; Autosomal recessive Alport syndrome. Last evaluated: 2024-05-23. Review status: criteria provided, single submitter. Criteria: ACMG Guidelines, 2015. Collection method: clinical testing. Allele origin: germline.

Literature cited by the submitters: PubMed 17576681 (cited by Labcorp Genetics (formerly Invitae), Labcorp); PubMed 9536098 (cited by Labcorp Genetics (formerly Invitae), Labcorp).